The following is an entry in ClinVar:

ClinVar aggregate classification (germline): Likely benign (1 of 4 stars; one submission).

Conditions:
Imerslund-Grasbeck syndrome type 1 (IGS1). Also called: Megaloblastic anemia 1, Finnish type; MEGALOBLASTIC ANEMIA, 1; Imerslund-Gräsbeck syndrome 1. Identifiers: MedGen C4016819, MONDO:0100156, OMIM 261100.

Allele frequency attached by ClinVar (database versions not stated): 1000 Genomes Project 0.00399; 1000 Genomes Project 30x 0.00406; TOPMed 0.00337; gnomAD 0.00314 and 0.00335.

Submission:

Illumina Laboratory Services, Illumina
Classification: Likely benign for Imerslund-Grasbeck syndrome type 1. Last evaluated: 2018-01-13. Review status: criteria provided, single submitter. Criteria: ICSL Variant Classification Criteria 13 December 2019. Collection method: clinical testing. Allele origin: germline.
Comment: This variant was observed in the ICSL laboratory as part of a predisposition screen in an ostensibly healthy population. It had not been previously curated by ICSL or reported in the Human Gene Mutation Database (HGMD: prior to June 1st, 2018), and was therefore a candidate for classification through an automated scoring system. Utilizing variant allele frequency, disease prevalence and penetrance estimates, and inheritance mode, an automated score was calculated to assess if this variant is too frequent to cause the disease. Based on the score and internal cut-off values, a variant classified as likely benign is not then subjected to further curation. The score for this variant resulted in a classification of likely benign for this disease.

NM_001081.4(CUBN):c.*769G>A

Gene: CUBN (cubilin; minus strand). Cytogenetic location: 10p13.
Variant type: single nucleotide variant.
Coding change: c.*769G>A on transcript NM_001081.4 (MANE Select); 769 bases downstream of the stop codon, G replaced by A.
Molecular consequence: 3 prime UTR variant.
Genome position (GRCh38, 1-based): chr10:16,824,206, C>T on the plus strand (G>A on the coding strand, the complement: CUBN is on the minus strand). VCF-style: chr10-16824206-C-T. GRCh37 (hg19) VCF-style: chr10-16866205-C-T.
Identifiers: ClinVar variation 878189 (VCV000878189.4), dbSNP rs149618660, ClinGen allele CA203530725.